The following is an entry in ClinVar:

NM_000112.4(SLC26A2):c.134del (p.Asn45fs)

Gene: SLC26A2 (solute carrier family 26 member 2; plus strand). Cytogenetic location: 5q32.
Variant type: Deletion.
Coding change: c.134del on transcript NM_000112.4 (MANE Select); coding-DNA position 134, one base deleted (A; older notation c.134delA).
Protein change: p.Asn45fs; shifts the reading frame from asparagine 45.
Molecular consequence: frameshift variant.
Genome position (GRCh38, 1-based): chr5:149,977,786, A deleted; the last of 2 consecutive A bases (chr5:149,977,785-149,977,786); deleting either gives the same sequence. VCF-style (leftmost placement, unchanged base first): chr5-149977784-CA-C. GRCh37 (hg19) VCF-style: chr5-149357347-CA-C.
Other names: short protein forms N45fs.
Identifiers: ClinVar variation 2678878 (VCV002678878.2), dbSNP rs2480770240, ClinGen allele CA2695198767.
Genomic context (GRCh38, chr5:149,977,784, plus strand): 5'-ATCTGGGATCCATCTGGAACTTCAAAGGGAATCAAGTACTGACTTCAAGCAATTTGAGAC[CA>C]ATGATCAATGCAGACCTTATCATAGGATCCTTATTGAGCGTCAAGAGAAATCAGATACAA-3'

ClinVar aggregate classification (germline): Likely pathogenic. Review status: criteria provided, multiple submitters, no conflicts (2 of 4 stars). 2 submissions from 2 submitters: Likely pathogenic (2). Last evaluated 2025-03-12.

Conditions:
Achondrogenesis, type IB (ACG1B). Also called: Achondrogenesis Type 1B. Identifiers: Orphanet 932, Orphanet 93298, MedGen C0265274, MONDO:0010966, OMIM 600972.

Submissions (2):

Natera, Inc.
Classification: Likely pathogenic for Achondrogenesis type IB. Last evaluated: 2025-03-12. Review status: criteria provided, single submitter. Criteria: Natera Variant Classification Schema (03/2026). Collection method: clinical testing. Allele origin: germline.
Comment: The c.134delA variant in SLC26A2 is a frameshift variant predicted to shift the reading frame beginning at codon 45 and leads to a stop codon 44 codons downstream. This variant is expected to result in nonsense mediated decay, truncation, or a dysfunctional protein product. This variant is rare in the general population with a frequency below the threshold expected for the associated phenotype(s). Given the available evidence, this variant is classified as Likely Pathogenic.

Baylor Genetics
Classification: Likely pathogenic for Achondrogenesis, type IB. Last evaluated: 2023-10-01. Review status: criteria provided, single submitter. Criteria: ACMG Guidelines, 2015. Collection method: clinical testing. Allele origin: unknown.